The following is an entry in ClinVar:

ClinVar aggregate classification (germline): Likely pathogenic (1 of 4 stars; one submission).

Conditions:
Candidiasis, familial, 8 (CANDF8). Identifiers: Orphanet 1334, MedGen C3714992, MONDO:0014230, OMIM 615527.

Submission:

Labcorp Genetics (formerly Invitae), Labcorp
Classification: Likely pathogenic for Candidiasis, familial, 8. Last evaluated: 2024-01-22. Review status: criteria provided, single submitter. Criteria: Invitae Variant Classification Sherloc (09022015). Collection method: clinical testing. Allele origin: unknown.
Comment: This variant results in the deletion of exons 6 and part of exon 7 (c.1291-1477_1468del) of the TRAF3IP2 gene. It is expected to disrupt RNA splicing. Variants that disrupt the donor or acceptor splice site typically lead to a loss of protein function (PMID: 16199547), and loss-of-function variants in TRAF3IP2 are known to be pathogenic (PMID: 24120361). This variant has not been reported in the literature in individuals affected with TRAF3IP2-related conditions. In summary, the currently available evidence indicates that the variant is pathogenic, but additional data are needed to prove that conclusively. Therefore, this variant has been classified as Likely Pathogenic.

Literature cited by the submitters: PubMed 16199547; PubMed 24120361.

NC_000006.11:g.(?_111887655)_(111890372_?)del

Genes: TRAF3IP2 (TRAF3 interacting protein 2; minus strand), TRAF3IP2-AS1 (TRAF3IP2 antisense RNA 1; plus strand). Cytogenetic location: 6q21.
Variant type: Deletion.
Identifiers: ClinVar variation 3246037 (VCV003246037.1).